The following is an entry in ClinVar:

NM_000195.5(HPS1):c.1430A>G (p.Gln477Arg)

Gene: HPS1 (HPS1 biogenesis of lysosomal organelles complex 3 subunit 1; minus strand). Cytogenetic location: 10q24.2.
Variant type: single nucleotide variant.
Coding change: c.1430A>G on transcript NM_000195.5 (MANE Select); coding-DNA position 1430, A replaced by G.
Protein change: p.Gln477Arg; replaces glutamine 477 with arginine.
Molecular consequence: missense variant.
Genome position (GRCh38, 1-based): chr10:98,423,855, T>C on the plus strand (A>G on the coding strand, the complement: HPS1 is on the minus strand). VCF-style: chr10-98423855-T-C. GRCh37 (hg19) VCF-style: chr10-100183612-T-C.
Other names: c.458A>G, p.Gln153Arg (NM_001311345.2, NM_001322487.2, NM_001322489.2); c.1430A>G, p.Gln477Arg (NM_001322476.2, NM_001322477.2); c.1331A>G, p.Gln444Arg (NM_001322478.2, NM_001322479.2); c.1169A>G, p.Gln390Arg (NM_001322480.2, NM_001322481.2); c.1070A>G, p.Gln357Arg (NM_001322482.2); c.1061A>G, p.Gln354Arg (NM_001322483.2, NM_001322484.2); c.962A>G, p.Gln321Arg (NM_001322485.2); short protein forms Q477R, Q153R, Q321R, Q357R, Q390R, Q354R, Q444R.
Identifiers: ClinVar variation 2781201 (VCV002781201.3), dbSNP rs2538810857, ClinGen allele CA378046370.
Genomic context (GRCh38, chr10:98,423,855, plus strand): 5'-TGTGGGCCTCCCCTGCTGGGGGCTGTGGTCAGAAAGTTCAGCCGGTAGATGGCGCAGAGC[T>C]GCCGCTTCAGCTTCCCACATGCCTGGAGCAGCCTGAGCACGAGAGAGGAGGGCATTACAG-3'
Protein context (NP_000186.2, residues 467-487): LLQACGKLKR[Gln477Arg]LCAIYRLNFL

ClinVar aggregate classification (germline): Uncertain significance (1 of 4 stars; one submission).

Submission:

Labcorp Genetics (formerly Invitae), Labcorp
Classification: Uncertain significance. Last evaluated: 2023-12-13. Review status: criteria provided, single submitter. Criteria: Invitae Variant Classification Sherloc (09022015). Collection method: clinical testing. Allele origin: germline.
Comment: This sequence change replaces glutamine, which is neutral and polar, with arginine, which is basic and polar, at codon 477 of the HPS1 protein (p.Gln477Arg). This variant is not present in population databases (gnomAD no frequency). This variant has not been reported in the literature in individuals affected with HPS1-related conditions. Advanced modeling of protein sequence and biophysical properties (such as structural, functional, and spatial information, amino acid conservation, physicochemical variation, residue mobility, and thermodynamic stability) performed at Invitae indicates that this missense variant is not expected to disrupt HPS1 protein function with a negative predictive value of 80%. In summary, the available evidence is currently insufficient to determine the role of this variant in disease. Therefore, it has been classified as a Variant of Uncertain Significance.